The following is an entry in ClinVar:

NM_000069.3(CACNA1S):c.632C>T (p.Ala211Val)

Gene: CACNA1S (calcium voltage-gated channel subunit alpha1 S; minus strand). Cytogenetic location: 1q32.1.
Variant type: single nucleotide variant.
Coding change: c.632C>T on transcript NM_000069.3 (MANE Select); coding-DNA position 632, C replaced by T.
Protein change: p.Ala211Val; replaces alanine 211 with valine.
Molecular consequence: missense variant.
Genome position (GRCh38, 1-based): chr1:201,091,702, G>A on the plus strand (C>T on the coding strand, the complement: CACNA1S is on the minus strand). VCF-style: chr1-201091702-G-A. GRCh37 (hg19) VCF-style: chr1-201060830-G-A.
Other names: short protein forms A211V.
Identifiers: ClinVar variation 844166 (VCV000844166.1), dbSNP rs763260505, ClinGen allele CA083930.
Genomic context (GRCh38, chr1:201,091,702, plus strand): 5'-GTACCAATGAAGTAGCAGGTCTTGTGCATCTTGCCCTTGAAGAGCTCCAGCCCGATGATG[G>A]CATAGATGATGACCATAAAGAGGACCAGCAGGGCGATGTGAAAGAGGGGGAGCATGGCCT-3'
Protein context (NP_000060.2, residues 201-221): LLVLFMVIIY[Ala211Val]IIGLELFKGK

ClinVar aggregate classification (germline): Uncertain significance (1 of 4 stars; one submission).

Conditions:
Hypokalemic periodic paralysis, type 1. Also called: Hypokalemic Periodic Paralysis Type 1 (AD); HypoPP. Identifiers: Orphanet 681, MedGen C3714580, MONDO:0042979, OMIM 170400.
Malignant hyperthermia, susceptibility to, 5 (MHS5). Also called: CACNA1S-Related Malignant Hyperthermia Susceptibility. Identifiers: Orphanet 423, MedGen C1866077, MONDO:0011163, OMIM 601887.

Allele frequency attached by ClinVar (database versions not stated): gnomAD exomes below 0.00001.
gnomAD v4.1: 1 of 1,614,118 alleles (0.000062%); highest among the groups gnomAD compares: Non-Finnish European, 0.000085%; no homozygotes.

Submission:

Labcorp Genetics (formerly Invitae), Labcorp
Classification: Uncertain significance for Hypokalemic periodic paralysis 1; Malignant hyperthermia susceptibility type 5. Last evaluated: 2020-01-03. Review status: criteria provided, single submitter. Criteria: Invitae Variant Classification Sherloc (09022015). Collection method: clinical testing. Allele origin: germline.
Comment: This sequence change replaces alanine with valine at codon 211 of the CACNA1S protein (p.Ala211Val). The alanine residue is highly conserved and there is a small physicochemical difference between alanine and valine. This variant is present in population databases (rs763260505, ExAC 0.003%). This variant has not been reported in the literature in individuals with CACNA1S-related conditions. Algorithms developed to predict the effect of missense changes on protein structure and function are either unavailable or do not agree on the potential impact of this missense change (SIFT: "Deleterious"; PolyPhen-2: "Probably Damaging"; Align-GVGD: "Class C0"). In summary, the available evidence is currently insufficient to determine the role of this variant in disease. Therefore, it has been classified as a Variant of Uncertain Significance.